The following is an entry in ClinVar:

ClinVar aggregate classification (germline): Uncertain significance (1 of 4 stars; one submission).

Submission:

Labcorp Genetics (formerly Invitae), Labcorp
Classification: Uncertain significance. Last evaluated: 2024-01-08. Review status: criteria provided, single submitter. Criteria: Invitae Variant Classification Sherloc (09022015). Collection method: clinical testing. Allele origin: germline.
Comment: This sequence change replaces glycine, which is neutral and non-polar, with alanine, which is neutral and non-polar, at codon 7 of the GUCA1A protein (p.Gly7Ala). This variant is not present in population databases (gnomAD no frequency). This variant has not been reported in the literature in individuals affected with GUCA1A-related conditions. ClinVar contains an entry for this variant (Variation ID: 2128726). An algorithm developed to predict the effect of missense changes on protein structure and function (PolyPhen-2) suggests that this variant is likely to be disruptive. In summary, the available evidence is currently insufficient to determine the role of this variant in disease. Therefore, it has been classified as a Variant of Uncertain Significance.

NM_001384910.1(GUCA1A):c.20G>C (p.Gly7Ala)

Genes: GUCA1A (guanylate cyclase activator 1A; plus strand), GUCA1ANB-GUCA1A (GUCA1ANB-GUCA1A readthrough; plus strand). Cytogenetic location: 6p21.1.
Variant type: single nucleotide variant.
Coding change: c.20G>C on transcript NM_001384910.1 (MANE Select); coding-DNA position 20, G replaced by C.
Protein change: p.Gly7Ala; replaces glycine 7 with alanine.
Molecular consequence: missense variant.
Genome position (GRCh38, 1-based): chr6:42,173,633, G>C. VCF-style: chr6-42173633-G-C. GRCh37 (hg19) VCF-style: chr6-42141371-G-C.
Other names: c.20G>C, p.Gly7Ala (NM_000409.5, NM_001319061.2, NM_001319062.2); short protein forms G7A.
Identifiers: ClinVar variation 2128726 (VCV002128726.4), dbSNP rs2546713940, ClinGen allele CA364105016.